The following is an entry in ClinVar:

NM_005591.4(MRE11):c.241A>G (p.Lys81Glu)

Gene: MRE11 (MRE11 double strand break repair nuclease; minus strand). Cytogenetic location: 11q21.
Variant type: single nucleotide variant.
Coding change: c.241A>G on transcript NM_005591.4 (MANE Select); coding-DNA position 241, A replaced by G.
Protein change: p.Lys81Glu; replaces lysine 81 with glutamic acid.
Molecular consequence: missense variant. On other transcripts: 5 prime UTR variant (3).
Genome position (GRCh38, 1-based): chr11:94,485,997, T>C on the plus strand (A>G on the coding strand, the complement: MRE11 is on the minus strand). VCF-style: chr11-94485997-T-C. GRCh37 (hg19) VCF-style: chr11-94219163-T-C.
Other names: c.241A>G, p.Lys81Glu (NM_001440476.1, NM_001440477.1, NM_001440478.1 and 21 more transcripts); c.166A>G, p.Lys56Glu (NM_001440479.1, NM_001440471.1, NM_001440472.1); c.-224A>G (NM_001440485.1, NM_001440486.1, NM_001440487.1); short protein forms K56E, K81E.
Identifiers: ClinVar variation 4650980 (VCV004650980.1).
Genomic context (GRCh38, chr11:94,485,997, plus strand): 5'-AGTTGACTGACTGATCACTGAGAATTTCAAACTGGACAGGCCGATCACCCATACAATATT[T>C]TCTTAATAACTCGAGGCAGGTATGTAATGTTTTCCTTGAGGGCTTATTTTCATGAAAAAG-3'
Protein context (NP_005582.1, residues 71-91): TLHTCLELLR[Lys81Glu]YCMGDRPVQF

ClinVar aggregate classification (germline): Uncertain significance (1 of 4 stars; one submission).

Conditions:
Hereditary cancer-predisposing syndrome. Also called: Neoplastic Syndromes, Hereditary; Tumor predisposition; Hereditary Cancer Syndrome; Hereditary neoplastic syndrome. Identifiers: Orphanet 140162, MedGen C0027672, MeSH D009386, MONDO:0015356.

Submission:

Ambry Genetics
Classification: Uncertain significance for Hereditary cancer-predisposing syndrome. Last evaluated: 2025-09-20. Review status: criteria provided, single submitter. Criteria: Ambry Variant Classification Scheme 2023. Collection method: clinical testing. Allele origin: germline.
Comment: The p.K81E variant (also known as c.241A>G), located in coding exon 3 of the MRE11A gene, results from an A to G substitution at nucleotide position 241. The lysine at codon 81 is replaced by glutamic acid, an amino acid with similar properties. This amino acid position is conserved. In addition, this alteration is predicted to be deleterious by in silico analysis. Based on the available evidence, the clinical significance of this variant remains unclear.